The following is an entry in ClinVar:

NM_000535.7(PMS2):c.1258C>A (p.Leu420Met)

Gene: PMS2 (PMS1 homolog 2, mismatch repair system component; minus strand). Cytogenetic location: 7p22.1.
Variant type: single nucleotide variant.
Coding change: c.1258C>A on transcript NM_000535.7 (MANE Select); coding-DNA position 1258, C replaced by A.
Protein change: p.Leu420Met; replaces leucine 420 with methionine.
Molecular consequence: missense variant. On other transcripts: non-coding transcript variant (1), intron variant (1).
Genome position (GRCh38, 1-based): chr7:5,987,507, G>T on the plus strand (C>A on the coding strand, the complement: PMS2 is on the minus strand). VCF-style: chr7-5987507-G-T. GRCh37 (hg19) VCF-style: chr7-6027138-G-T.
Other names: c.853C>A, p.Leu285Met (NM_001018040.1, NM_001322003.2, NM_001322004.2 and 17 more transcripts); c.1102C>A, p.Leu368Met (NM_001322006.2, NM_001406870.1); c.940C>A, p.Leu314Met (NM_001322007.2, NM_001322008.2, NM_001406876.1 and 2 more transcripts); c.697C>A, p.Leu233Met (NM_001322010.2, NM_001406906.1, NM_001406907.1); c.325C>A, p.Leu109Met (NM_001322011.2, NM_001322012.2); c.685C>A, p.Leu229Met (NM_001322013.2, NM_001406909.1); c.1258C>A, p.Leu420Met (NM_001322014.2, NM_001406871.1, NM_001406872.1); c.949C>A, p.Leu317Met (NM_001322015.2, NM_001406875.1, NM_001406877.1 and 5 more transcripts); and 13 more; short protein forms L109M, L163M, L229M, L233M, L249M, L262M, L265M, L285M.
Identifiers: ClinVar variation 2663478 (VCV002663478.1), dbSNP rs1783155735, ClinGen allele CA366742464.

ClinVar aggregate classification (germline): Uncertain significance (1 of 4 stars; one submission).

Submission:

GeneDx
Classification: Uncertain significance. Last evaluated: 2023-05-10. Review status: criteria provided, single submitter. Criteria: GeneDx Variant Classification Process June 2021. Collection method: clinical testing. Allele origin: germline. Affected: yes.
Comment: Not observed at significant frequency in large population cohorts (gnomAD); In silico analysis supports that this missense variant does not alter protein structure/function; Has not been previously published as pathogenic or benign to our knowledge